The following is an entry in ClinVar:

ClinVar aggregate classification (germline): Conflicting classifications of pathogenicity. Review status: criteria provided, conflicting classifications (1 of 4 stars). 8 submissions from 8 submitters: Uncertain significance (6); Likely benign (2). Last evaluated 2026-01-07.

Conditions:
Classic or attenuated familial adenomatous polyposis. Identifiers: MedGen CN372698, MONDO:0021057.
Familial adenomatous polyposis 1 (FAP1). Also called: FAMILIAL ADENOMATOUS POLYPOSIS 1, ATTENUATED; POLYPOSIS, ADENOMATOUS INTESTINAL. Identifiers: MedGen C2713442, MONDO:0021056, OMIM 175100. Disease mechanism: loss of function.
Hepatocellular carcinoma (HCC). Also called: Primary carcinoma of liver; HEPATOMA; LIVER CELL CARCINOMA. Identifiers: Orphanet 88673, MedGen C2239176, MONDO:0007256, OMIM 114550, HP:0001402.
Gastric adenocarcinoma and proximal polyposis of the stomach (GAPPS). Also called: POLYPOSIS, GASTRIC; Polyposis, gastric, Dos Santos and de Magalhaes 1980; Gastric Adenocarcinoma and Proximal Polyposis of the Stomach (GAPPS). Identifiers: Orphanet 314022, MedGen C4749917, MONDO:0017790, OMIM 619182.
Colorectal cancer. Also called: Colorectal cancer, somatic; Malignant Colorectal Neoplasm. Identifiers: MedGen C0346629, MONDO:0005575, OMIM 114500.
Desmoid disease, hereditary (DESMD). Also called: FIBROMATOSIS, FAMILIAL INFILTRATIVE. Identifiers: Orphanet 873, MedGen C1851124, OMIM 135290. Disease mechanism: loss of function.
Gastric cancer. Also called: Stomach cancer; Malignant tumor of stomach. Identifiers: MedGen C0024623, MeSH D013274, MONDO:0001056, OMIM 613659, HP:0012126.
Hereditary cancer-predisposing syndrome. Also called: Tumor predisposition; Neoplastic Syndromes, Hereditary; Hereditary Cancer Syndrome; Hereditary neoplastic syndrome. Identifiers: Orphanet 140162, MedGen C0027672, MeSH D009386, MONDO:0015356.
APC-Associated Polyposis Disorders.

Allele frequency attached by ClinVar (database versions not stated): TOPMed 0.00001; gnomAD exomes 0.00004; ExAC 0.00006.
gnomAD v4.1: 33 of 1,613,728 alleles (0.002%); highest among the groups gnomAD compares: Non-Finnish European, 0.0025%; no homozygotes.

Submissions (8):

Labcorp Genetics (formerly Invitae), Labcorp
Classification: Uncertain significance for Familial adenomatous polyposis 1. Last evaluated: 2026-01-07. Review status: criteria provided, single submitter. Criteria: Invitae Variant Classification Sherloc (09022015). Collection method: clinical testing. Allele origin: germline.
Comment: This sequence change replaces histidine, which is basic and polar, with proline, which is neutral and non-polar, at codon 1965 of the APC protein (p.His1965Pro). This variant is present in population databases (rs773776516, gnomAD 0.008%). This missense change has been observed in individual(s) with colorectal cancer (PMID: 35430768). ClinVar contains an entry for this variant (Variation ID: 350416). Invitae Evidence Modeling of protein sequence and biophysical properties (such as structural, functional, and spatial information, amino acid conservation, physicochemical variation, residue mobility, and thermodynamic stability) indicates that this missense variant is not expected to disrupt APC protein function with a negative predictive value of 95%. In summary, the available evidence is currently insufficient to determine the role of this variant in disease. Therefore, it has been classified as a Variant of Uncertain Significance.

Center for Genomic Medicine, Rigshospitalet, Copenhagen University Hospital
Classification: Likely benign. Last evaluated: 2025-03-04. Review status: criteria provided, single submitter. Criteria: ACMG Guidelines, 2015. Collection method: clinical testing. Allele origin: germline.

Ambry Genetics
Classification: Likely benign for Hereditary cancer-predisposing syndrome. Last evaluated: 2024-04-09. Review status: criteria provided, single submitter. Criteria: Ambry Variant Classification Scheme 2023. Collection method: clinical testing. Allele origin: germline.

All of Us Research Program, National Institutes of Health
Classification: Uncertain significance for Classic or attenuated familial adenomatous polyposis. Last evaluated: 2023-08-15. Review status: criteria provided, single submitter. Criteria: ACMG Guidelines, 2015. Collection method: clinical testing. Allele origin: germline. Inheritance: Autosomal dominant inheritance. Observed: 2 variant alleles, 2 heterozygotes.
Comment: This missense variant replaces histidine with proline at codon 1965 of the APC protein. Computational prediction suggests that this variant may not impact protein structure and function (internally defined REVEL score threshold <= 0.5, PMID: 27666373). To our knowledge, functional studies have not been reported for this variant. This variant has not been reported in individuals affected with APC-related disorders in the literature. This variant has been identified in 9/250796 chromosomes in the general population by the Genome Aggregation Database (gnomAD). The available evidence is insufficient to determine the role of this variant in disease conclusively. Therefore, this variant is classified as a Variant of Uncertain Significance.

This study involves interpretation of variants in research participants for the purpose of population health screening. Participant phenotype was not available at the time of variant classification. Additional details can be found in publication PMID: 35346344, PMCID: PMC8962531

Color Diagnostics, LLC DBA Color Health
Classification: Uncertain significance for Hereditary cancer-predisposing syndrome. Last evaluated: 2023-07-24. Review status: criteria provided, single submitter. Criteria: ACMG Guidelines, 2015. Collection method: clinical testing. Allele origin: germline.
Comment: This missense variant replaces histidine with proline at codon 1965 of the APC protein. Computational prediction suggests that this variant may not impact protein structure and function (internally defined REVEL score threshold <= 0.5, PMID: 27666373). To our knowledge, functional studies have not been reported for this variant. This variant has not been reported in individuals affected with APC-related disorders in the literature. This variant has been identified in 9/250796 chromosomes in the general population by the Genome Aggregation Database (gnomAD). The available evidence is insufficient to determine the role of this variant in disease conclusively. Therefore, this variant is classified as a Variant of Uncertain Significance.

Fulgent Genetics
Classification: Uncertain significance for Colorectal cancer; Hepatocellular carcinoma; Desmoid disease, hereditary; Familial adenomatous polyposis 1; Gastric cancer; Gastric adenocarcinoma and proximal polyposis of the stomach. Last evaluated: 2022-04-09. Review status: criteria provided, single submitter. Criteria: ACMG Guidelines, 2015. Collection method: clinical testing. Allele origin: unknown.

Sema4
Classification: Uncertain significance for Hereditary cancer-predisposing syndrome. Last evaluated: 2022-01-12. Review status: criteria provided, single submitter. Criteria: Sema4 Curation Guidelines. Collection method: curation. Allele origin: germline.
Comment: The APC c.5894A>C (p.H1965P) variant has not been reported in the literature to our knowledge. This variant was observed in 9/113314 chromosomes in the Non-Finnish European population according to the Genome Aggregation Database (PMID: 32461654). This variant has been reported in ClinVar (Variation ID 350416). Functional studies have not been performed, and in silico predictions of the variant's effect on protein function are inconclusive. The overall evidence is insufficient to meet ACMG/AMP criteria for classifying it as benign or pathogenic. In summary, the clinical significance of this variant is currently uncertain.

Illumina Laboratory Services, Illumina
Classification: Uncertain significance for APC-Associated Polyposis Disorders. Last evaluated: 2018-01-12. Review status: criteria provided, single submitter. Criteria: ICSL Variant Classification Criteria 13 December 2019. Collection method: clinical testing. Allele origin: germline.

Literature cited by the submitters: PubMed 35430768 (cited by Labcorp Genetics (formerly Invitae), Labcorp).

NM_000038.6(APC):c.5894A>C (p.His1965Pro)

Gene: APC (APC regulator of Wnt signaling pathway; plus strand). Cytogenetic location: 5q22.2.
Variant type: single nucleotide variant.
Coding change: c.5894A>C on transcript NM_000038.6 (MANE Select); coding-DNA position 5894, A replaced by C.
Protein change: p.His1965Pro; replaces histidine 1965 with proline.
Molecular consequence: missense variant.
Genome position (GRCh38, 1-based): chr5:112,841,488, A>C. VCF-style: chr5-112841488-A-C. GRCh37 (hg19) VCF-style: chr5-112177185-A-C.
Other names: c.5894A>C, p.His1965Pro (NM_001127510.3, NM_001354895.2); c.5840A>C, p.His1947Pro (NM_001127511.3); c.5948A>C, p.His1983Pro (NM_001354896.2); c.5924A>C, p.His1975Pro (NM_001354897.2); c.5819A>C, p.His1940Pro (NM_001354898.2); c.5810A>C, p.His1937Pro (NM_001354899.2); c.5771A>C, p.His1924Pro (NM_001354900.2); c.5717A>C, p.His1906Pro (NM_001354901.2); and 5 more; short protein forms H1965P, H1947P, H1975P, H1682P, H1805P, H1839P, H1937P, H1983P.
Identifiers: ClinVar variation 350416 (VCV000350416.29), dbSNP rs773776516, ClinGen allele CA043314.